The following is an entry in ClinVar:

ClinVar aggregate classification (germline): Uncertain significance (1 of 4 stars; one submission).

Conditions:
Facioscapulohumeral muscular dystrophy 2 (FSHD2). Also called: MUSCULAR DYSTROPHY, FACIOSCAPULOHUMERAL, TYPE 1B; FACIOSCAPULOHUMERAL MUSCULAR DYSTROPHY 2, DIGENIC; FSHD2, DIGENIC. Identifiers: Orphanet 269, MedGen C1834671, MONDO:0008031, OMIM 158901.

gnomAD v4.1: 2 of 1,576,154 alleles (0.00013%); highest among the groups gnomAD compares: Non-Finnish European, 0.00017%; no homozygotes.

Submission:

Labcorp Genetics (formerly Invitae), Labcorp
Classification: Uncertain significance for Facioscapulohumeral muscular dystrophy 2. Last evaluated: 2024-04-27. Review status: criteria provided, single submitter. Criteria: Invitae Variant Classification Sherloc (09022015). Collection method: clinical testing. Allele origin: germline.
Comment: This sequence change replaces histidine, which is basic and polar, with leucine, which is neutral and non-polar, at codon 1528 of the SMCHD1 protein (p.His1528Leu). This variant is not present in population databases (gnomAD no frequency). This variant has not been reported in the literature in individuals affected with SMCHD1-related conditions. Advanced modeling of protein sequence and biophysical properties (such as structural, functional, and spatial information, amino acid conservation, physicochemical variation, residue mobility, and thermodynamic stability) performed at Invitae indicates that this missense variant is not expected to disrupt SMCHD1 protein function with a negative predictive value of 80%. In summary, the available evidence is currently insufficient to determine the role of this variant in disease. Therefore, it has been classified as a Variant of Uncertain Significance.

NM_015295.3(SMCHD1):c.4583A>T (p.His1528Leu)

Gene: SMCHD1 (structural maintenance of chromosomes flexible hinge domain containing 1; plus strand). Cytogenetic location: 18p11.32.
Variant type: single nucleotide variant.
Coding change: c.4583A>T on transcript NM_015295.3 (MANE Select); coding-DNA position 4583, A replaced by T.
Protein change: p.His1528Leu; replaces histidine 1528 with leucine.
Molecular consequence: missense variant.
Genome position (GRCh38, 1-based): chr18:2,763,653, A>T. VCF-style: chr18-2763653-A-T. GRCh37 (hg19) VCF-style: chr18-2763651-A-T.
Other names: short protein forms H1528L.
Identifiers: ClinVar variation 3689642 (VCV003689642.1).